The following is an entry in ClinVar:

ClinVar aggregate classification (germline): Uncertain significance. Review status: criteria provided, multiple submitters, no conflicts (2 of 4 stars). 2 submissions from 2 submitters: Uncertain significance (2). Last evaluated 2025-11-03.

Conditions:
Leukodystrophy, hypomyelinating, 6. Also called: LEUKODYSTROPHY, HYPOMYELINATING, WITH ATROPHY OF THE BASAL GANGLIA AND CEREBELLUM; TUBB4A-Associated Leukodystrophy; Hypomyelination with Atrophy of Basal Ganglia and Cerebellum (H-ABC). Identifiers: Orphanet 139441, MedGen C2676244, MONDO:0012905, OMIM 612438.

Submissions (2):

Labcorp Genetics (formerly Invitae), Labcorp
Classification: Uncertain significance for Leukodystrophy, hypomyelinating, 6. Last evaluated: 2025-11-03. Review status: criteria provided, single submitter. Criteria: Invitae Variant Classification Sherloc (09022015). Collection method: clinical testing. Allele origin: germline.
Comment: This sequence change replaces valine, which is neutral and non-polar, with methionine, which is neutral and non-polar, at codon 193 of the TUBB4A protein (p.Val193Met). This variant is not present in population databases (gnomAD no frequency). This variant has not been reported in the literature in individuals affected with TUBB4A-related conditions. ClinVar contains an entry for this variant (Variation ID: 2088520). Invitae Evidence Modeling of protein sequence and biophysical properties (such as structural, functional, and spatial information, amino acid conservation, physicochemical variation, residue mobility, and thermodynamic stability) indicates that this missense variant is not expected to disrupt TUBB4A protein function with a negative predictive value of 80%. In summary, the available evidence is currently insufficient to determine the role of this variant in disease. Therefore, it has been classified as a Variant of Uncertain Significance.

GeneDx
Classification: Uncertain significance. Last evaluated: 2025-03-06. Review status: criteria provided, single submitter. Criteria: GeneDx Variant Classification Process June 2021. Collection method: clinical testing. Allele origin: germline. Affected: yes.
Comment: Not observed at significant frequency in large population cohorts (gnomAD); In silico analysis indicates that this missense variant does not alter protein structure/function; Has not been previously published as pathogenic or benign to our knowledge.

NM_006087.4(TUBB4A):c.577G>A (p.Val193Met)

Gene: TUBB4A (tubulin beta 4A class IVa; minus strand). Cytogenetic location: 19p13.3.
Variant type: single nucleotide variant.
Coding change: c.577G>A on transcript NM_006087.4 (MANE Select); coding-DNA position 577, G replaced by A.
Protein change: p.Val193Met; replaces valine 193 with methionine.
Molecular consequence: missense variant.
Genome position (GRCh38, 1-based): chr19:6,495,922, C>T on the plus strand (G>A on the coding strand, the complement: TUBB4A is on the minus strand). VCF-style: chr19-6495922-C-T. GRCh37 (hg19) VCF-style: chr19-6495933-C-T.
Other names: c.730G>A, p.Val244Met (NM_001289123.2); c.712G>A, p.Val238Met (NM_001289127.2); c.577G>A, p.Val193Met (NM_001289129.2); c.361G>A, p.Val121Met (NM_001289130.2, NM_001289131.2); c.577G>A (NM_006087.2); short protein forms V244M, V121M, V193M, V238M.
Identifiers: ClinVar variation 2088520 (VCV002088520.6), dbSNP rs2512754195, ClinGen allele CA403591983.